The following is an entry in ClinVar:

ClinVar aggregate classification (germline): Uncertain significance (1 of 4 stars; one submission).

Conditions:
Galactosylceramide beta-galactosidase deficiency. Also called: Leukodystrophy, Globoid Cell; Krabbe Disease; GALACTOCEREBROSIDASE DEFICIENCY; GALC DEFICIENCY; GLOBOID CELL LEUKOENCEPHALOPATHY. Identifiers: Orphanet 487, MedGen C0023521, MONDO:0009499, OMIM 245200.

gnomAD v4.1: 3 of 1,604,528 alleles (0.00019%); highest among the groups gnomAD compares: Admixed American, 0.005%; no homozygotes.

Submission:

Labcorp Genetics (formerly Invitae), Labcorp
Classification: Uncertain significance for Galactosylceramide beta-galactosidase deficiency. Last evaluated: 2022-05-17. Review status: criteria provided, single submitter. Criteria: Invitae Variant Classification Sherloc (09022015). Collection method: clinical testing. Allele origin: germline.
Comment: This sequence change replaces alanine, which is neutral and non-polar, with serine, which is neutral and polar, at codon 409 of the GALC protein (p.Ala409Ser). This variant is present in population databases (no rsID available, gnomAD 0.003%). This variant has not been reported in the literature in individuals affected with GALC-related conditions. Advanced modeling of protein sequence and biophysical properties (such as structural, functional, and spatial information, amino acid conservation, physicochemical variation, residue mobility, and thermodynamic stability) performed at Invitae indicates that this missense variant is not expected to disrupt GALC protein function. In summary, the available evidence is currently insufficient to determine the role of this variant in disease. Therefore, it has been classified as a Variant of Uncertain Significance.

NM_000153.4(GALC):c.1225G>T (p.Ala409Ser)

Gene: GALC (galactosylceramidase; minus strand). Cytogenetic location: 14q31.3.
Variant type: single nucleotide variant.
Coding change: c.1225G>T on transcript NM_000153.4 (MANE Select); coding-DNA position 1225, G replaced by T.
Protein change: p.Ala409Ser; replaces alanine 409 with serine.
Molecular consequence: missense variant.
Genome position (GRCh38, 1-based): chr14:87,950,685, C>A on the plus strand (G>T on the coding strand, the complement: GALC is on the minus strand). VCF-style: chr14-87950685-C-A. GRCh37 (hg19) VCF-style: chr14-88417029-C-A.
Other names: c.1156G>T, p.Ala386Ser (NM_001201401.2); c.1147G>T, p.Ala383Ser (NM_001201402.2); short protein forms A383S, A386S, A409S.
Identifiers: ClinVar variation 2415544 (VCV002415544.7), dbSNP rs1404645132, ClinGen allele CA390746960.